The following is an entry in ClinVar:

ClinVar aggregate classification (germline): Uncertain significance (1 of 4 stars; one submission).

Conditions:
Primary ciliary dyskinesia 33. Also called: CILIARY DYSKINESIA, PRIMARY, 33, WITHOUT SITUS INVERSUS. Identifiers: Orphanet 244, MedGen C4225230, MONDO:0014750, OMIM 616726.

gnomAD v4.1: 1 of 1,613,938 alleles (0.000062%); highest among the groups gnomAD compares: Non-Finnish European, 0.000085%; no homozygotes.

Submission:

Labcorp Genetics (formerly Invitae), Labcorp
Classification: Uncertain significance for Primary ciliary dyskinesia 33. Last evaluated: 2022-07-23. Review status: criteria provided, single submitter. Criteria: Invitae Variant Classification Sherloc (09022015). Collection method: clinical testing. Allele origin: germline.
Comment: In summary, the available evidence is currently insufficient to determine the role of this variant in disease. Therefore, it has been classified as a Variant of Uncertain Significance. Algorithms developed to predict the effect of missense changes on protein structure and function (SIFT, PolyPhen-2, Align-GVGD) all suggest that this variant is likely to be tolerated. This variant has not been reported in the literature in individuals affected with GAS8-related conditions. This variant is not present in population databases (gnomAD no frequency). This sequence change replaces arginine, which is basic and polar, with histidine, which is basic and polar, at codon 139 of the GAS8 protein (p.Arg139His).

NM_001481.3(DRC4):c.416G>A (p.Arg139His)

Gene: DRC4 (dynein regulatory complex subunit 4; plus strand). Cytogenetic location: 16q24.3.
Variant type: single nucleotide variant.
Coding change: c.416G>A on transcript NM_001481.3 (MANE Select); coding-DNA position 416, G replaced by A.
Protein change: p.Arg139His; replaces arginine 139 with histidine.
Molecular consequence: missense variant. On other transcripts: 5 prime UTR variant (1).
Genome position (GRCh38, 1-based): chr16:90,032,845, G>A. VCF-style: chr16-90032845-G-A. GRCh37 (hg19) VCF-style: chr16-90099253-G-A.
Other names: c.167G>A, p.Arg56His (NM_001286205.2); c.-106G>A (NM_001286208.2); c.341G>A, p.Arg114His (NM_001286209.2); short protein forms R139H, R114H, R56H.
Identifiers: ClinVar variation 1926243 (VCV001926243.5), dbSNP rs1165887625, ClinGen allele CA397462691.